The following is an entry in ClinVar:

ClinVar aggregate classification (germline): Likely pathogenic (1 of 4 stars; one submission).

Conditions:
Popov-Chang syndrome (POPCHAS). Also called: NEURODEVELOPMENTAL DISORDER WITH IMPAIRED SPEECH AND DYSMORPHIC FACIAL FEATURES. Identifiers: MedGen C6065892, MONDO:0979865, OMIM 618428.

Submission:

Institute of Human Genetics, University of Leipzig Medical Center
Classification: Likely pathogenic for Popov-Chang syndrome. Last evaluated: 2026-03-24. Review status: criteria provided, single submitter. Criteria: ACMG Guidelines, 2015. Collection method: clinical testing. Allele origin: de novo. Inheritance: Autosomal dominant inheritance. Affected: yes.
Comment: Criteria applied: PVS1_MOD,PS2_MOD,PM2

NM_145690.3(YWHAZ):c.168_184dup (p.Val62fs)

Gene: YWHAZ (tyrosine 3-monooxygenase/tryptophan 5-monooxygenase activation protein zeta; minus strand). Cytogenetic location: 8q22.3.
Variant type: Duplication.
Coding change: c.168_184dup on transcript NM_145690.3 (MANE Select); coding-DNA positions 168 to 184, 17 bases duplicated (GTCATCTTGGAGGGTCG).
Protein change: p.Val62fs; shifts the reading frame from valine 62.
Molecular consequence: frameshift variant.
Genome position (GRCh38, 1-based): chr8:100,948,706-100,948,722, CGACCCTCCAAGATGAC duplicated on the plus strand (GTCATCTTGGAGGGTCG on the coding strand, the reverse complement: YWHAZ is on the minus strand); duplicating any 17 consecutive bases within chr8:100,948,706-100,948,723 gives the same sequence; the c. name uses the placement nearest the transcript's 3' end. VCF-style (leftmost placement, unchanged base first): chr8-100948705-A-ACGACCCTCCAAGATGAC. GRCh37 (hg19) VCF-style: chr8-101960933-A-ACGACCCTCCAAGATGAC.
Other names: c.168_184dup, p.Val62fs (NM_001135699.2, NM_001135700.2, NM_001135701.2 and 2 more transcripts); short protein forms V62fs.
Identifiers: ClinVar variation 4845382 (VCV004845382.1).